The following is an entry in ClinVar:

ClinVar aggregate classification (germline): Uncertain significance (1 of 4 stars; one submission).

Conditions:
Inborn genetic diseases. Identifiers: MedGen C0950123, MeSH D030342.

Submission:

Ambry Genetics
Classification: Uncertain significance for Inborn genetic diseases. Last evaluated: 2025-03-18. Review status: criteria provided, single submitter. Criteria: Ambry Variant Classification Scheme 2023. Collection method: clinical testing. Allele origin: germline.
Comment: The p.E5K variant (also known as c.13G>A), located in coding exon 1 of the DDX41 gene, results from a G to A substitution at nucleotide position 13. The glutamic acid at codon 5 is replaced by lysine, an amino acid with similar properties. This amino acid position is conserved. In addition, this alteration is predicted to be tolerated by in silico analysis. Based on the available evidence, the clinical significance of this variant remains unclear.

NM_016222.4(DDX41):c.13G>A (p.Glu5Lys)

Gene: DDX41 (DEAD-box helicase 41; minus strand). Cytogenetic location: 5q35.3.
Variant type: single nucleotide variant.
Coding change: c.13G>A on transcript NM_016222.4 (MANE Select); coding-DNA position 13, G replaced by A.
Protein change: p.Glu5Lys; replaces glutamic acid 5 with lysine.
Molecular consequence: missense variant. On other transcripts: 5 prime UTR variant (2).
Genome position (GRCh38, 1-based): chr5:177,516,933, C>T on the plus strand (G>A on the coding strand, the complement: DDX41 is on the minus strand). VCF-style: chr5-177516933-C-T. GRCh37 (hg19) VCF-style: chr5-176943934-C-T.
Other names: c.-643G>A (NM_001321732.2); c.-435G>A (NM_001321830.2); short protein forms E5K.
Identifiers: ClinVar variation 4010271 (VCV004010271.1).